The following is an entry in ClinVar:

NM_004415.4(DSP):c.8493G>C (p.Ser2831=)

Gene: DSP (desmoplakin; plus strand). Cytogenetic location: 6p24.3.
Variant type: single nucleotide variant.
Coding change: c.8493G>C on transcript NM_004415.4 (MANE Select); coding-DNA position 8493, G replaced by C.
Protein change: p.Ser2831=; no amino-acid change (serine 2831 retained).
Molecular consequence: synonymous variant.
Genome position (GRCh38, 1-based): chr6:7,585,755, G>C. VCF-style: chr6-7585755-G-C. GRCh37 (hg19) VCF-style: chr6-7585988-G-C.
Other names: c.6696G>C, p.Ser2232= (NM_001008844.3); c.7164G>C, p.Ser2388= (NM_001319034.2); c.8493G>C (NM_004415.3).
Identifiers: ClinVar variation 44973 (VCV000044973.20), dbSNP rs397516969, ClinGen allele CA007660.

ClinVar aggregate classification (germline): Likely benign. Review status: criteria provided, multiple submitters, no conflicts (2 of 4 stars). 8 submissions from 8 submitters: Likely benign (8). Last evaluated 2026-01-31.

Conditions:
DSP-related disorder. Also called: DSP-related condition; DSP-related disorders.
Cardiovascular phenotype. Identifiers: MedGen CN230736.
Cardiomyopathy (CMYO). Also called: Cardiomyopathies. Identifiers: Orphanet 167848, MedGen C0878544, MONDO:0004994, HP:0001638. Inheritance: Various modes of inheritance.
Arrhythmogenic right ventricular dysplasia 8 (ARVD8). Also called: Arrhythmogenic Right Ventricular Dysplasia/Cardiomyopathy 8; ARRHYTHMOGENIC RIGHT VENTRICULAR DYSPLASIA, FAMILIAL, 8; ARRHYTHMOGENIC RIGHT VENTRICULAR CARDIOMYOPATHY 8. Identifiers: MedGen C1843896, MONDO:0011831, OMIM 607450.
Arrhythmogenic cardiomyopathy with wooly hair and keratoderma. Also called: Carvajal syndrome; Dilated cardiomyopathy with woolly hair and keratoderma; PALMOPLANTAR KERATODERMA WITH LEFT VENTRICULAR CARDIOMYOPATHY AND WOOLLY HAIR; Arrhythmogenic cardiomyopathy with woolly hair and keratoderma. Identifiers: Orphanet 65282, MedGen C1854063, MONDO:0011581, OMIM 605676.

Allele frequency attached by ClinVar (database versions not stated): gnomAD 0.00010; TOPMed 0.00015.
gnomAD v4.1: 62 of 1,609,456 alleles (0.0039%); highest among the groups gnomAD compares: Admixed American, 0.057%; 1 homozygote.

Submissions (8):

Labcorp Genetics (formerly Invitae), Labcorp
Classification: Likely benign for Arrhythmogenic cardiomyopathy with wooly hair and keratoderma; Arrhythmogenic right ventricular dysplasia 8. Last evaluated: 2026-01-31. Review status: criteria provided, single submitter. Criteria: Invitae Variant Classification Sherloc (09022015). Collection method: clinical testing. Allele origin: germline.

PreventionGenetics, part of Exact Sciences
Classification: Likely benign for DSP-related condition. Last evaluated: 2025-10-23. Review status: criteria provided, single submitter. Criteria: ACMG Guidelines, 2015. Collection method: clinical testing. Allele origin: germline.
Comment: This variant is classified as likely benign based on ACMG/AMP sequence variant interpretation guidelines (Richards et al. 2015 PMID: 25741868, with internal and published modifications).

Women's Health and Genetics/Laboratory Corporation of America, LabCorp
Classification: Likely benign. Last evaluated: 2025-05-05. Review status: criteria provided, single submitter. Criteria: LabCorp Variant Classification Summary - May 2015. Collection method: clinical testing. Allele origin: germline.

Blueprint Genetics
Classification: Likely benign. Last evaluated: 2022-04-25. Review status: criteria provided, single submitter. Criteria: ACMG Guidelines, 2015. Collection method: clinical testing. Allele origin: germline.

GeneDx
Classification: Likely benign. Last evaluated: 2020-12-17. Review status: criteria provided, single submitter. Criteria: GeneDx Variant Classification Process June 2021. Collection method: clinical testing. Allele origin: germline. Affected: yes.

Ambry Genetics
Classification: Likely benign for Cardiovascular phenotype. Last evaluated: 2019-11-19. Review status: criteria provided, single submitter. Criteria: Ambry Variant Classification Scheme 2023. Collection method: clinical testing. Allele origin: germline.

Color Diagnostics, LLC DBA Color Health
Classification: Likely benign for Cardiomyopathy. Last evaluated: 2018-11-25. Review status: criteria provided, single submitter. Criteria: ACMG Guidelines, 2015. Collection method: clinical testing. Allele origin: germline.

Laboratory for Molecular Medicine, Mass General Brigham Personalized Medicine
Classification: Likely benign. Last evaluated: 2012-04-11. Review status: criteria provided, single submitter. Criteria: LMM Criteria. Collection method: clinical testing. Allele origin: germline. Observed: 1 variant allele.
Comment: Ser2831Ser in exon 24 of DSP: This variant is not expected to have clinical sign ificance because it does not alter an amino acid residue and is not located with in the splice consensus sequence. It has been identified in 1/7020 European Amer ican chromosomes from a broad population by the NHLBI Exome Sequencing Project. Ser2831Ser in exon 24 of DSP (allele frequen cy = 1/7020) **